The following is an entry in ClinVar:

ClinVar aggregate classification (germline): Benign/Likely benign. Review status: criteria provided, multiple submitters, no conflicts (2 of 4 stars). 2 submissions from 2 submitters: Benign (1); Likely benign (1). Last evaluated 2023-03-01.

Allele frequency attached by ClinVar (database versions not stated): 1000 Genomes Project 0.00180; 1000 Genomes Project 30x 0.00187; TOPMed 0.00378; ESP Exome Variant Server 0.00384; gnomAD exomes 0.00441 and 0.00666; gnomAD 0.00459 and 0.00475; ExAC 0.00794.
gnomAD v4.1: 10,143 of 1,578,248 alleles (0.64%); highest among the groups gnomAD compares: Non-Finnish European, 0.77%; 37 homozygotes.

Submissions (2):

CeGaT Center for Human Genetics Tuebingen
Classification: Likely benign. Last evaluated: 2023-03-01. Review status: criteria provided, single submitter. Criteria: CeGaT Center For Human Genetics Tuebingen Variant Classification Criteria Version 2. Collection method: clinical testing. Allele origin: germline. Affected: yes. Observed: 2 variant alleles.
Comment: EPHX2: BP4, BP7, BS2

Labcorp Genetics (formerly Invitae), Labcorp
Classification: Benign. Last evaluated: 2018-08-29. Review status: criteria provided, single submitter. Criteria: Invitae Variant Classification Sherloc (09022015). Collection method: clinical testing. Allele origin: germline.

NM_001979.6(EPHX2):c.63C>A (p.Gly21=)

Gene: EPHX2 (epoxide hydrolase 2; plus strand). Cytogenetic location: 8p21.2.
Variant type: single nucleotide variant.
Coding change: c.63C>A on transcript NM_001979.6 (MANE Select); coding-DNA position 63, C replaced by A.
Protein change: p.Gly21=; no amino-acid change (glycine 21 retained).
Molecular consequence: synonymous variant. On other transcripts: 5 prime UTR variant (3).
Genome position (GRCh38, 1-based): chr8:27,491,271, C>A. VCF-style: chr8-27491271-C-A. GRCh37 (hg19) VCF-style: chr8-27348788-C-A.
Other names: c.-59C>A (NM_001256482.2); c.-51C>A (NM_001256483.2); c.-95C>A (NM_001256484.2).
Identifiers: ClinVar variation 779344 (VCV000779344.27), dbSNP rs2234912, ClinGen allele CA4689878.